The following is an entry in ClinVar:

NM_006662.3(SRCAP):c.1709C>G (p.Pro570Arg)

Gene: SRCAP (Snf2 related CREBBP activator protein; plus strand). Cytogenetic location: 16p11.2.
Variant type: single nucleotide variant.
Coding change: c.1709C>G on transcript NM_006662.3 (MANE Select); coding-DNA position 1709, C replaced by G.
Protein change: p.Pro570Arg; replaces proline 570 with arginine.
Molecular consequence: missense variant.
Genome position (GRCh38, 1-based): chr16:30,712,051, C>G. VCF-style: chr16-30712051-C-G. GRCh37 (hg19) VCF-style: chr16-30723372-C-G.
Other names: short protein forms P570R.
Identifiers: ClinVar variation 5030207 (VCV005030207.1).

ClinVar aggregate classification (germline): Uncertain significance (1 of 4 stars; one submission).

Conditions:
Inborn genetic diseases. Identifiers: MedGen C0950123, MeSH D030342.

gnomAD v4.1: 1 of 1,614,002 alleles (0.000062%); highest among the groups gnomAD compares: Admixed American, 0.0017%; no homozygotes.

Submission:

Ambry Genetics
Classification: Uncertain significance for Inborn genetic diseases. Last evaluated: 2026-06-17. Review status: criteria provided, single submitter. Criteria: Ambry Variant Classification Scheme 2023. Collection method: clinical testing. Allele origin: germline.
Comment: The c.1709C>G (p.P570R) alteration is located in exon 12 (coding exon 10) of the SRCAP gene. This alteration results from a C to G substitution at nucleotide position 1709, causing the proline (P) at amino acid position 570 to be replaced by an arginine (R). Based on data from gnomAD, the G allele has an overall frequency of <0.001% (1/251350) total alleles studied. The highest observed frequency was 0.003% (1/34592) of Latino alleles. Based on insufficient or conflicting evidence, the clinical significance of this alteration remains unclear.